The following is an entry in ClinVar:

ClinVar aggregate classification (germline): Likely pathogenic (1 of 4 stars; one submission).

Conditions:
Ataxia, early-onset, with oculomotor apraxia and hypoalbuminemia (EAOH). Also called: ATAXIA-OCULOMOTOR APRAXIA SYNDROME; ATAXIA-TELANGIECTASIA-LIKE SYNDROME; Ataxia-oculomotor apraxia type 1. Identifiers: Orphanet 1168, MedGen C1859598, MONDO:0008842, OMIM 208920.

gnomAD v4.1: 2 of 1,614,200 alleles (0.00012%); highest among the groups gnomAD compares: South Asian, 0.0011%; no homozygotes.

Submission:

Victorian Clinical Genetics Services, Murdoch Childrens Research Institute
Classification: Likely pathogenic for Ataxia, early-onset, with oculomotor apraxia and hypoalbuminemia. Last evaluated: 2025-04-14. Review status: criteria provided, single submitter. Criteria: ACMG Guidelines, 2015. Collection method: clinical testing. Allele origin: germline. Affected: yes.
Comment: This variant is classified as Likely pathogenic. Evidence in support of pathogenic classification: Variant is present in gnomAD <0.01 for a recessive condition (v4: 2 heterozygote(s), 0 homozygote(s)); Other missense variant(s) comparable to the one identified in this case have moderate previous evidence for pathogenicity. p.(His201Arg) and p.(His201Gln) have been reported in the literature in homozygous individuals with ataxia and oculomotor apraxia (PMID: 12196655, 15596775). In addition, p.(His201Leu) has been classified as a VUS by a clinical laboratory in ClinVar; Variant is located in the well-established functional HIT domain. This histidine residue is not located within the histidine triad motif; however, alternate changes at this residue have been shown to result in decreased protein solubility, stability, and catalytic activity (PMID: 29934293); Missense variant predicted to be damaging by in silico tool(s) or highly conserved with a major amino acid change. Additional information: Variant is predicted to result in a missense amino acid change from histidine to tyrosine; This variant is homozygous; This gene is associated with autosomal recessive disease; Alternative amino acid change(s) at the same position are present in gnomAD (highest allele count: v4: 1 heterozygote(s), 0 homozygote(s)); This variant has no previous evidence of pathogenicity; No published segregation evidence has been identified for this variant; No published functional evidence has been identified for this variant; Loss of function is a known mechanism of disease in this gene and is associated with early-onset ataxia with oculomotor apraxia and hypoalbuminaemia (MIM#208920); Variants in this gene are known to have variable expressivity. Age of onset is variable and is usually in childhood or adolescence; however, adult onset has been reported (OMIM, PMID: 29934293).

Literature cited by the submitters: PubMed 29934293; PubMed 12196655; PubMed 15596775.

NM_001195248.2(APTX):c.601C>T (p.His201Tyr)

Gene: APTX (aprataxin; minus strand). Cytogenetic location: 9p21.1.
Variant type: single nucleotide variant.
Coding change: c.601C>T on transcript NM_001195248.2 (MANE Select); coding-DNA position 601, C replaced by T.
Protein change: p.His201Tyr; replaces histidine 201 with tyrosine.
Molecular consequence: missense variant. On other transcripts: non-coding transcript variant (9).
Genome position (GRCh38, 1-based): chr9:32,984,800, G>A on the plus strand (C>T on the coding strand, the complement: APTX is on the minus strand). VCF-style: chr9-32984800-G-A. GRCh37 (hg19) VCF-style: chr9-32984798-G-A.
Other names: c.601C>T, p.His201Tyr (NM_001195249.2, NM_001195251.2, NM_001368995.1 and 6 more transcripts); c.439C>T, p.His147Tyr (NM_001195250.2, NM_001195254.2, NM_001369000.1 and 1 more transcripts); c.385C>T, p.His129Tyr (NM_001195252.2); c.337C>T, p.His113Tyr (NM_001369002.1, NM_001369003.1, NM_001369004.1 and 5 more transcripts); short protein forms H113Y, H129Y, H147Y, H201Y.
Identifiers: ClinVar variation 4532125 (VCV004532125.1).